The following is an entry in ClinVar:

ClinVar aggregate classification (germline): Uncertain significance (1 of 4 stars; one submission).

Submission:

GeneDx
Classification: Uncertain significance. Last evaluated: 2026-03-04. Review status: criteria provided, single submitter. Criteria: GeneDx Variant Classification Process June 2021. Collection method: clinical testing. Allele origin: germline.
Comment: Not observed at significant frequency in large population cohorts (gnomAD); In silico analysis supports that this missense variant has a deleterious effect on protein structure/function; Has not been previously published as pathogenic or benign to our knowledge.

NM_197968.4(ZMYM2):c.2521C>A (p.Pro841Thr)

Gene: ZMYM2 (zinc finger MYM-type containing 2; plus strand). Cytogenetic location: 13q12.11.
Variant type: single nucleotide variant.
Coding change: c.2521C>A on transcript NM_197968.4 (MANE Select); coding-DNA position 2521, C replaced by A.
Protein change: p.Pro841Thr; replaces proline 841 with threonine.
Molecular consequence: missense variant. On other transcripts: non-coding transcript variant (1).
Genome position (GRCh38, 1-based): chr13:20,058,602, C>A. VCF-style: chr13-20058602-C-A. GRCh37 (hg19) VCF-style: chr13-20632742-C-A.
Other names: c.2521C>A, p.Pro841Thr (NM_001190964.4, NM_001190965.4, NM_001353157.2 and 5 more transcripts); c.2326C>A, p.Pro776Thr (NM_001353161.3); c.2260C>A, p.Pro754Thr (NM_001353163.2); short protein forms P754T, P841T, P776T.
Identifiers: ClinVar variation 5008361 (VCV005008361.1).